The following is an entry in ClinVar:

ClinVar aggregate classification (germline): Uncertain significance. Review status: criteria provided, multiple submitters, no conflicts (2 of 4 stars). 3 submissions from 3 submitters: Uncertain significance (3). Last evaluated 2025-04-19.

Conditions:
3MC syndrome 1. Also called: CRANIOSYNOSTOSIS WITH LID ANOMALIES; OCULOPALATOSKELETAL SYNDROME; MICHELS SYNDROME. Identifiers: Orphanet 293843, MedGen C0796059, MONDO:0009770, OMIM 257920.
Inborn genetic diseases. Identifiers: MedGen C0950123, MeSH D030342.

gnomAD v4.1: 17 of 1,614,098 alleles (0.0011%); highest among the groups gnomAD compares: African/African-American, 0.015%; no homozygotes.

Submissions (3):

Dasa
Classification: Uncertain significance for 3MC syndrome 1. Last evaluated: 2025-04-19. Review status: criteria provided, single submitter. Criteria: DASA Assertion Criteria. Collection method: clinical testing. Allele origin: germline.
Comment: NM_139125.4(MASP1):c.1976C>A (p.Thr659Lys) is a missense variant that results in the substitution of threonine with lysine. This variant is rare in population databases. Computational prediction algorithms are consistent with a deleterious effect. The currently available literature and clinical evidence are not sufficient to establish a definitive association between this variant and the reported condition. Therefore, this variant is classified as a variant of uncertain significance.

Ambry Genetics
Classification: Uncertain significance for Inborn genetic diseases. Last evaluated: 2025-04-08. Review status: criteria provided, single submitter. Criteria: Ambry Variant Classification Scheme 2023. Collection method: clinical testing. Allele origin: germline.

Labcorp Genetics (formerly Invitae), Labcorp
Classification: Uncertain significance for 3MC syndrome 1. Last evaluated: 2021-04-28. Review status: criteria provided, single submitter. Criteria: Invitae Variant Classification Sherloc (09022015). Collection method: clinical testing. Allele origin: germline.
Comment: This sequence change replaces threonine with lysine at codon 659 of the MASP1 protein (p.Thr659Lys). The threonine residue is highly conserved and there is a moderate physicochemical difference between threonine and lysine. This variant is present in population databases (rs757937866, ExAC 0.02%). This variant has not been reported in the literature in individuals with MASP1-related conditions. Algorithms developed to predict the effect of missense changes on protein structure and function (SIFT, PolyPhen-2, Align-GVGD) all suggest that this variant is likely to be disruptive, but these predictions have not been confirmed by published functional studies and their clinical significance is uncertain. In summary, the available evidence is currently insufficient to determine the role of this variant in disease. Therefore, it has been classified as a Variant of Uncertain Significance.

NM_139125.4(MASP1):c.1976C>A (p.Thr659Lys)

Gene: MASP1 (MBL associated serine protease 1; minus strand). Cytogenetic location: 3q27.3.
Variant type: single nucleotide variant.
Coding change: c.1976C>A on transcript NM_139125.4 (MANE Select); coding-DNA position 1976, C replaced by A.
Protein change: p.Thr659Lys; replaces threonine 659 with lysine.
Molecular consequence: missense variant. On other transcripts: non-coding transcript variant (1), intron variant (1).
Genome position (GRCh38, 1-based): chr3:187,235,895, G>T on the plus strand (C>A on the coding strand, the complement: MASP1 is on the minus strand). VCF-style: chr3-187235895-G-T. GRCh37 (hg19) VCF-style: chr3-186953683-G-T.
Other names: c.1976C>A (NM_139125.3); c.1303+5586C>A (NM_001879.6); short protein forms T659K.
Identifiers: ClinVar variation 1449827 (VCV001449827.11), dbSNP rs757937866, ClinGen allele CA2749123.